The following is an entry in ClinVar:

NM_001613.4(ACTA2):c.212A>G (p.Tyr71Cys)

Gene: ACTA2 (actin alpha 2, smooth muscle; minus strand). Cytogenetic location: 10q23.31.
Variant type: single nucleotide variant.
Coding change: c.212A>G on transcript NM_001613.4 (MANE Select); coding-DNA position 212, A replaced by G.
Protein change: p.Tyr71Cys; replaces tyrosine 71 with cysteine.
Molecular consequence: missense variant.
Genome position (GRCh38, 1-based): chr10:88,947,304, T>C on the plus strand (A>G on the coding strand, the complement: ACTA2 is on the minus strand). VCF-style: chr10-88947304-T-C. GRCh37 (hg19) VCF-style: chr10-90707061-T-C.
Other names: c.212A>G, p.Tyr71Cys (NM_001141945.3, NM_001320855.2, NM_001406462.1 and 4 more transcripts); short protein forms Y71C.
Identifiers: ClinVar variation 1786366 (VCV001786366.2), dbSNP rs2494570548, ClinGen allele CA377513382.

ClinVar aggregate classification (germline): Uncertain significance (1 of 4 stars; one submission).

Conditions:
Familial thoracic aortic aneurysm and aortic dissection (TAAD). Also called: Thoracic aortic aneurysms and dissections. Identifiers: Orphanet 91387, MedGen C4707243, MONDO:0019625.

Submission:

Ambry Genetics
Classification: Uncertain significance for Familial thoracic aortic aneurysm and aortic dissection. Last evaluated: 2020-02-25. Review status: criteria provided, single submitter. Criteria: Ambry Variant Classification Scheme 2023. Collection method: clinical testing. Allele origin: germline.
Comment: The p.Y71C variant (also known as c.212A>G), located in coding exon 2 of the ACTA2 gene, results from an A to G substitution at nucleotide position 212. The tyrosine at codon 71 is replaced by cysteine, an amino acid with highly dissimilar properties. This amino acid position is highly conserved in available vertebrate species. In addition, this alteration is predicted to be deleterious by in silico analysis. Since supporting evidence is conflicting at this time, the clinical significance of this alteration remains unclear.